The following is an entry in ClinVar:

NM_024577.4(SH3TC2):c.*10099A>T

Gene: SH3TC2 (SH3 domain and tetratricopeptide repeats 2; minus strand). Cytogenetic location: 5q32.
Variant type: single nucleotide variant.
Coding change: c.*10099A>T on transcript NM_024577.4 (MANE Select); 10099 bases downstream of the stop codon, A replaced by T.
Molecular consequence: 3 prime UTR variant.
Genome position (GRCh38, 1-based): chr5:148,994,612, T>A on the plus strand (A>T on the coding strand, the complement: SH3TC2 is on the minus strand). VCF-style: chr5-148994612-T-A. GRCh37 (hg19) VCF-style: chr5-148374175-T-A.
Identifiers: ClinVar variation 351721 (VCV000351721.5), dbSNP rs570266229, ClinGen allele CA10620658.

ClinVar aggregate classification (germline): Benign. Review status: criteria provided, single submitter (1 of 4 stars). 2 submissions from 1 submitter: Benign (2). Last evaluated 2018-01-12.

Conditions:
Charcot-Marie-Tooth disease type 4C (CMT4C). Also called: CHARCOT-MARIE-TOOTH DISEASE, DEMYELINATING, AUTOSOMAL RECESSIVE, TYPE 4C; CMT 4C; Charcot-Marie-Tooth Neuropathy Type 4C (CMT4C); CHARCOT-MARIE-TOOTH DISEASE, DEMYELINATING, TYPE 4C; SH3TC2-Related Hereditary Motor and Sensory Neuropathy. Identifiers: Orphanet 99949, MedGen C1866636, MONDO:0011113, OMIM 601596.
Susceptibility to mononeuropathy of the median nerve, mild. Also called: CARPAL TUNNEL SYNDROME, SUSCEPTIBILITY TO. Identifiers: MedGen C3150596, MONDO:0013237, OMIM 613353.

Allele frequency attached by ClinVar (database versions not stated): gnomAD 0.00458 and 0.00531; 1000 Genomes Project 0.02376.
gnomAD v4.1: 623 of 122,352 alleles (0.51%); highest among the groups gnomAD compares: Non-Finnish European, 0.71%; 4 homozygotes.

Submissions (2):

Illumina Laboratory Services, Illumina
Classification: Benign for Susceptibility to mononeuropathy of the median nerve, mild. Last evaluated: 2018-01-12. Review status: criteria provided, single submitter. Criteria: ICSL Variant Classification Criteria 13 December 2019. Collection method: clinical testing. Allele origin: germline.
Comment: This variant was observed in the ICSL laboratory as part of a predisposition screen in an ostensibly healthy population. It had not been previously curated by ICSL or reported in the Human Gene Mutation Database (HGMD: prior to June 1st, 2018), and was therefore a candidate for classification through an automated scoring system. Utilizing variant allele frequency, disease prevalence and penetrance estimates, and inheritance mode, an automated score was calculated to assess if this variant is too frequent to cause the disease. Based on the score and internal cut-off values, a variant classified as benign is not then subjected to further curation. The score for this variant resulted in a classification of benign for this disease.

Illumina Laboratory Services, Illumina
Classification: Benign for Charcot-Marie-Tooth disease type 4C. Last evaluated: 2018-01-12. Review status: criteria provided, single submitter. Criteria: ICSL Variant Classification Criteria 13 December 2019. Collection method: clinical testing. Allele origin: germline.
Comment: the same text as in the submission from Illumina Laboratory Services, Illumina above.